The following is an entry in ClinVar:

ClinVar aggregate classification (germline): Uncertain significance (1 of 4 stars; one submission).

Submission:

Labcorp Genetics (formerly Invitae), Labcorp
Classification: Uncertain significance. Last evaluated: 2025-04-07. Review status: criteria provided, single submitter. Criteria: Invitae Variant Classification Sherloc (09022015). Collection method: clinical testing. Allele origin: germline.
Comment: This sequence change affects codon 441 of the THBD mRNA. It is a 'silent' change, meaning that it does not change the encoded amino acid sequence of the THBD protein. This variant is not present in population databases (gnomAD no frequency). This variant has not been reported in the literature in individuals affected with THBD-related conditions. ClinVar contains an entry for this variant (Variation ID: 3675022). Experimental studies and prediction algorithms are not available or were not evaluated, and the effect of this variant on mRNA splicing is currently unknown. In summary, the available evidence is currently insufficient to determine the role of this variant in disease. Therefore, it has been classified as a Variant of Uncertain Significance.

NM_000361.3(THBD):c.1323C>T (p.Asp441=)

Gene: THBD (thrombomodulin; minus strand). Cytogenetic location: 20p11.21.
Variant type: single nucleotide variant.
Coding change: c.1323C>T on transcript NM_000361.3 (MANE Select); coding-DNA position 1323, C replaced by T.
Protein change: p.Asp441=; no amino-acid change (aspartic acid 441 retained).
Molecular consequence: synonymous variant.
Genome position (GRCh38, 1-based): chr20:23,048,182, G>A on the plus strand (C>T on the coding strand, the complement: THBD is on the minus strand). VCF-style: chr20-23048182-G-A. GRCh37 (hg19) VCF-style: chr20-23028819-G-A.
Identifiers: ClinVar variation 3675022 (VCV003675022.2).